The following is an entry in ClinVar:

ClinVar aggregate classification (germline): Conflicting classifications of pathogenicity. Review status: criteria provided, conflicting classifications (1 of 4 stars). 4 submissions from 4 submitters: Uncertain significance (3); Likely benign (1). Last evaluated 2026-06-02.

Conditions:
Hereditary cancer-predisposing syndrome. Also called: Neoplastic Syndromes, Hereditary; Tumor predisposition; Hereditary Cancer Syndrome; Hereditary neoplastic syndrome. Identifiers: Orphanet 140162, MedGen C0027672, MeSH D009386, MONDO:0015356.
Hereditary breast ovarian cancer syndrome. Also called: Hereditary breast and ovarian cancer; Hereditary breast and ovarian cancer syndrome; Hereditary breast and ovarian cancer syndrome (HBOC); BRCA1- and BRCA2-Associated Hereditary Breast and Ovarian Cancer; Breast and ovarian cancer; Hereditary breast and/or ovarian cancer syndrome. Identifiers: Orphanet 145, MedGen C0677776, MeSH D061325, MONDO:0003582. Disease mechanism: loss of function.

Allele frequency attached by ClinVar (database versions not stated): TOPMed below 0.00001.

Submissions (4):

Ambry Genetics
Classification: Uncertain significance for Hereditary cancer-predisposing syndrome. Last evaluated: 2026-06-02. Review status: criteria provided, single submitter. Criteria: Ambry Variant Classification Scheme 2023. Collection method: clinical testing. Allele origin: germline.
Comment: The p.I975M variant (also known as c.2925C>G), located in coding exon 10 of the BRCA2 gene, results from a C to G substitution at nucleotide position 2925. The isoleucine at codon 975 is replaced by methionine, an amino acid with highly similar properties. This amino acid position is conserved. In addition, this alteration is predicted to be tolerated by in silico analysis. Based on the available evidence, the clinical significance of this variant remains unclear.

University of Washington Department of Laboratory Medicine, University of Washington
Classification: Likely benign for Hereditary cancer-predisposing syndrome. Last evaluated: 2023-03-23. Review status: criteria provided, single submitter. Criteria: Dines et al. (Genet Med. 2020). Collection method: curation. Allele origin: germline.
Comment: Missense variant in a coldspot region where missense variants are very unlikely to be pathogenic (PMID:31911673).

BRCA2 exon 11 coldspot. Reclassification based on statistical prior probability.

Labcorp Genetics (formerly Invitae), Labcorp
Classification: Uncertain significance for Hereditary breast ovarian cancer syndrome. Last evaluated: 2021-06-21. Review status: criteria provided, single submitter. Criteria: Invitae Variant Classification Sherloc (09022015). Collection method: clinical testing. Allele origin: germline.
Comment: This sequence change replaces isoleucine with methionine at codon 975 of the BRCA2 protein (p.Ile975Met). The isoleucine residue is weakly conserved and there is a small physicochemical difference between isoleucine and methionine. This variant is not present in population databases (ExAC no frequency). This variant has not been reported in the literature in individuals with BRCA2-related conditions. Advanced modeling of protein sequence and biophysical properties (such as structural, functional, and spatial information, amino acid conservation, physicochemical variation, residue mobility, and thermodynamic stability) performed at Invitae indicates that this missense variant is not expected to disrupt BRCA2 protein function. In summary, the available evidence is currently insufficient to determine the role of this variant in disease. Therefore, it has been classified as a Variant of Uncertain Significance.

GeneDx
Classification: Uncertain significance. Last evaluated: 2020-09-01. Review status: criteria provided, single submitter. Criteria: GeneDx Variant Classification Process June 2021. Collection method: clinical testing. Allele origin: germline. Affected: yes.
Comment: Not observed in large population cohorts (Lek 2016); In silico analysis supports that this missense variant does not alter protein structure/function; Has not been previously published as pathogenic or benign to our knowledge; Also known as 3153C>G

NM_000059.4(BRCA2):c.2925C>G (p.Ile975Met)

Gene: BRCA2 (BRCA2 DNA repair associated; plus strand). Cytogenetic location: 13q13.1.
Variant type: single nucleotide variant.
Coding change: c.2925C>G on transcript NM_000059.4 (MANE Select); coding-DNA position 2925, C replaced by G.
Protein change: p.Ile975Met; replaces isoleucine 975 with methionine.
Molecular consequence: missense variant.
Genome position (GRCh38, 1-based): chr13:32,337,280, C>G. VCF-style: chr13-32337280-C-G. GRCh37 (hg19) VCF-style: chr13-32911417-C-G.
Other names: short protein forms I975M.
Identifiers: ClinVar variation 1317337 (VCV001317337.12), dbSNP rs1555282943, ClinGen allele CA387774214.
Genomic context (GRCh38, chr13:32,337,280, plus strand): 5'-CAAAAATAGTGTAAAGCAGCATATAAAAATGACTCTAGGTCAAGATTTAAAATCGGACAT[C>G]TCCTTGAATATAGATAAAATACCAGAAAAAAATAATGATTACATGAACAAATGGGCAGGA-3'
Protein context (NP_000050.3, residues 965-985): MTLGQDLKSD[Ile975Met]SLNIDKIPEK